The following is an entry in ClinVar:

ClinVar aggregate classification (germline): Uncertain significance (1 of 4 stars; one submission).

Submission:

GeneDx
Classification: Uncertain significance. Last evaluated: 2024-02-27. Review status: criteria provided, single submitter. Criteria: GeneDx Variant Classification Process June 2021. Collection method: clinical testing. Allele origin: germline. Affected: yes.
Comment: Not observed at significant frequency in large population cohorts (gnomAD); In silico analysis supports that this missense variant does not alter protein structure/function; Has not been previously published as pathogenic or benign to our knowledge

NM_001257180.2(SLC20A2):c.623T>A (p.Leu208His)

Gene: SLC20A2 (solute carrier family 20 member 2; minus strand). Cytogenetic location: 8p11.21.
Variant type: single nucleotide variant.
Coding change: c.623T>A on transcript NM_001257180.2 (MANE Select); coding-DNA position 623, T replaced by A.
Protein change: p.Leu208His; replaces leucine 208 with histidine.
Molecular consequence: missense variant.
Genome position (GRCh38, 1-based): chr8:42,444,753, A>T on the plus strand (T>A on the coding strand, the complement: SLC20A2 is on the minus strand). VCF-style: chr8-42444753-A-T. GRCh37 (hg19) VCF-style: chr8-42302271-A-T.
Other names: c.623T>A, p.Leu208His (NM_001257181.2, NM_006749.5); short protein forms L208H.
Identifiers: ClinVar variation 3373373 (VCV003373373.1).
Genomic context (GRCh38, chr8:42,444,753, plus strand): 5'-AAAGCGAACAGGAGGGCGACACCAAAGGAAATGAGGGCTATGGCCCACATGGGGAGAACA[A>T]GGCCGAGCACTGGGAAGGAAAATGAGAAGCAGTGTCATTACTGGAAACTTCTGCAAGGTC-3'
Protein context (NP_001244109.1, residues 198-218): IMYTGAPVLG[Leu208His]VLPMWAIALI